The following is an entry in ClinVar:

NM_000465.4(BARD1):c.944C>T (p.Pro315Leu)

Gene: BARD1 (BRCA1 associated RING domain 1; minus strand). Cytogenetic location: 2q35.
Variant type: single nucleotide variant.
Coding change: c.944C>T on transcript NM_000465.4 (MANE Select); coding-DNA position 944, C replaced by T.
Protein change: p.Pro315Leu; replaces proline 315 with leucine.
Molecular consequence: missense variant. On other transcripts: non-coding transcript variant (2), intron variant (3).
Genome position (GRCh38, 1-based): chr2:214,780,930, G>A on the plus strand (C>T on the coding strand, the complement: BARD1 is on the minus strand). VCF-style: chr2-214780930-G-A. GRCh37 (hg19) VCF-style: chr2-215645654-G-A.
Other names: c.887C>T, p.Pro296Leu (NM_001282543.2); c.159-28375C>T (NM_001282548.2); c.215+16131C>T (NM_001282545.2); c.364+11367C>T (NM_001282549.2); short protein forms P315L, P296L.
Identifiers: ClinVar variation 187028 (VCV000187028.27), dbSNP rs148760338, ClinGen allele CA196543.

ClinVar aggregate classification (germline): Uncertain significance. Review status: criteria provided, multiple submitters, no conflicts (2 of 4 stars). 9 submissions from 9 submitters: Uncertain significance (8). 1 of the submissions does not count toward it. Last evaluated 2025-03-04.

Conditions:
BARD1-related cancer predisposition. Identifiers: MedGen CN377756, MONDO:0700267.
Hereditary cancer-predisposing syndrome. Also called: Neoplastic Syndromes, Hereditary; Tumor predisposition; Hereditary Cancer Syndrome; Hereditary neoplastic syndrome. Identifiers: Orphanet 140162, MedGen C0027672, MeSH D009386, MONDO:0015356.
Familial cancer of breast. Also called: BREAST CANCER, FAMILIAL; Hereditary breast cancer; hereditary breast carcinoma. Identifiers: Orphanet 227535, MedGen C0346153, MONDO:0016419, OMIM 114480. Disease mechanism: loss of function.

Allele frequency attached by ClinVar (database versions not stated): gnomAD 0.00001; gnomAD exomes 0.00001 and 0.00002; TOPMed 0.00002; ExAC 0.00004; ESP Exome Variant Server 0.00008.
gnomAD v4.1: 15 of 1,613,752 alleles (0.00093%); highest among the groups gnomAD compares: African/African-American, 0.004%; no homozygotes.

Submissions (9):

Color Diagnostics, LLC DBA Color Health
Classification: Uncertain significance for Hereditary cancer-predisposing syndrome. Last evaluated: 2025-03-04. Review status: criteria provided, single submitter. Criteria: ACMG Guidelines, 2015. Collection method: clinical testing. Allele origin: germline.
Comment: This missense variant replaces proline with leucine at codon 315 of the BARD1 protein. Computational prediction suggests that this variant may not impact protein structure and function. To our knowledge, functional studies have not been reported for this variant. This variant has not been reported in individuals affected with hereditary cancer in the literature. This variant has been identified in 6/250798 chromosomes in the general population by the Genome Aggregation Database (gnomAD). The available evidence is insufficient to determine the role of this variant in disease conclusively. Therefore, this variant is classified as a Variant of Uncertain Significance.

Labcorp Genetics (formerly Invitae), Labcorp
Classification: Uncertain significance for Familial cancer of breast. Last evaluated: 2024-12-18. Review status: criteria provided, single submitter. Criteria: Invitae Variant Classification Sherloc (09022015). Collection method: clinical testing. Allele origin: germline.
Comment: This sequence change replaces proline, which is neutral and non-polar, with leucine, which is neutral and non-polar, at codon 315 of the BARD1 protein (p.Pro315Leu). This variant is present in population databases (rs148760338, gnomAD 0.003%). This variant has not been reported in the literature in individuals affected with BARD1-related conditions. ClinVar contains an entry for this variant (Variation ID: 187028). An algorithm developed to predict the effect of missense changes on protein structure and function outputs the following: PolyPhen-2: "Benign". The leucine amino acid residue is found in multiple mammalian species, which suggests that this missense change does not adversely affect protein function. In summary, the available evidence is currently insufficient to determine the role of this variant in disease. Therefore, it has been classified as a Variant of Uncertain Significance.

Ambry Genetics
Classification: Uncertain significance for Hereditary cancer-predisposing syndrome. Last evaluated: 2024-09-19. Review status: criteria provided, single submitter. Criteria: Ambry Variant Classification Scheme 2023. Collection method: clinical testing. Allele origin: germline.
Comment: The p.P315L variant (also known as c.944C>T), located in coding exon 4 of the BARD1 gene, results from a C to T substitution at nucleotide position 944. The proline at codon 315 is replaced by leucine, an amino acid with similar properties. This amino acid position is not well conserved in available vertebrate species. In addition, this alteration is predicted to be tolerated by in silico analysis. Since supporting evidence is limited at this time, the clinical significance of this alteration remains unclear.

Department of Pathology and Laboratory Medicine, Sinai Health System
Classification: Uncertain significance for BARD1-related cancer predisposition. Last evaluated: 2024-05-01. Review status: criteria provided, single submitter. Criteria: ACMG Guidelines, 2015. Collection method: clinical testing. Allele origin: germline. Affected: yes.

Baylor Genetics
Classification: Uncertain significance for Familial cancer of breast. Last evaluated: 2023-09-30. Review status: criteria provided, single submitter. Criteria: ACMG Guidelines, 2015. Collection method: clinical testing. Allele origin: unknown.

Myriad Genetics, Inc.
Classification: Uncertain significance for Familial cancer of breast. Last evaluated: 2023-02-24. Review status: criteria provided, single submitter. Criteria: Myriad Autosomal Dominant, Autosomal Recessive and X-Linked Classification Criteria (2023). Collection method: clinical testing. Allele origin: unknown.
Comment: This variant is classified as a variant of uncertain significance as there is insufficient evidence to determine its impact on protein function and/or cancer risk.

MGZ Medical Genetics Center
Classification: Uncertain significance for Familial cancer of breast. Last evaluated: 2022-01-31. Review status: criteria provided, single submitter. Criteria: ACMG Guidelines, 2015. Collection method: clinical testing. Allele origin: germline. Affected: yes. Observed: 1 variant allele.
Comment: ACMG criteria applied: PM2_SUP, BP4

GeneDx
Classification: Uncertain significance. Last evaluated: 2019-12-03. Review status: criteria provided, single submitter. Criteria: GeneDx Variant Classification Process June 2021. Collection method: clinical testing. Allele origin: germline. Affected: yes.
Comment: In silico analysis, which includes protein predictors and evolutionary conservation, supports a deleterious effect; Has not been previously published as pathogenic or benign to our knowledge

Counsyl
Classification: Uncertain significance for Familial cancer of breast. Last evaluated: 2017-03-08. Review status: no assertion criteria provided. Collection method: clinical testing. Allele origin: unknown. Not counted in ClinVar's aggregate classification.